The following is an entry in ClinVar:

ClinVar aggregate classification (germline): Benign/Likely benign. Review status: criteria provided, multiple submitters, no conflicts (2 of 4 stars). 6 submissions from 6 submitters: Benign (3); Likely benign (2). 1 of the submissions does not count toward it. Last evaluated 2026-01-11.

Conditions:
RASopathy. Also called: Noonan spectrum disorder; rasopathies. Identifiers: Orphanet 536391, MedGen C5555857, MONDO:0021060.
CBL-related disorder. Also called: NOONAN SYNDROME-LIKE DISORDER WITHOUT JUVENILE MYELOMONOCYTIC LEUKEMIA; CBL MUTATION-ASSOCIATED SYNDROME; CBL SYNDROME. Identifiers: Orphanet 363972, MedGen C3150803, MONDO:0013308, OMIM 613563.

Allele frequency attached by ClinVar (database versions not stated): gnomAD exomes 0.00002 and 0.00013; TOPMed 0.00004; gnomAD 0.00005 and 0.00006; ExAC 0.00014; 1000 Genomes Project 30x 0.00016; 1000 Genomes Project 0.00020.
gnomAD v4.1: 45 of 1,613,720 alleles (0.0028%); highest among the groups gnomAD compares: East Asian, 0.096%; no homozygotes.

Submissions (6):

Labcorp Genetics (formerly Invitae), Labcorp
Classification: Benign for RASopathy. Last evaluated: 2026-01-11. Review status: criteria provided, single submitter. Criteria: Invitae Variant Classification Sherloc (09022015). Collection method: clinical testing. Allele origin: germline.

ARUP Laboratories, Molecular Genetics and Genomics, ARUP Laboratories
Classification: Benign. Last evaluated: 2023-10-09. Review status: criteria provided, single submitter. Criteria: ARUP Molecular Germline Variant Investigation Process 2024. Collection method: clinical testing. Allele origin: germline.

Blueprint Genetics
Classification: Likely benign. Last evaluated: 2023-08-03. Review status: criteria provided, single submitter. Criteria: ACMG Guidelines, 2015. Collection method: clinical testing. Allele origin: germline.

Women's Health and Genetics/Laboratory Corporation of America, LabCorp
Classification: Benign. Last evaluated: 2019-12-09. Review status: criteria provided, single submitter. Criteria: LabCorp Variant Classification Summary - May 2015. Collection method: clinical testing. Allele origin: germline.
Comment: Variant summary: CBL c.2252-8T>C alters a non-conserved nucleotide located close to a canonical splice site and therefore could affect mRNA splicing, leading to a significantly altered protein sequence. 5/5 computational tools predict no significant impact on normal splicing. However, these predictions have yet to be confirmed by functional studies. The variant allele was found at a frequency of 0.00013 in 251440 control chromosomes, predominantly at a frequency of 0.0018 within the East Asian subpopulation in the gnomAD database. The observed variant frequency within East Asian control individuals in the gnomAD database is approximately 720 fold of the estimated maximal expected allele frequency for a pathogenic variant in CBL causing Noonan Syndrome and Related Conditions phenotype (2.5e-06), strongly suggesting that the variant is a benign polymorphism found primarily in populations of East Asian origin. To our knowledge, no occurrence of c.2252-8T>C in individuals affected with Noonan Syndrome and Related Conditions and no experimental evidence demonstrating its impact on protein function have been reported. A ClinVar submission (evaluation after 2014) cites the variant as likely benign. Based on the evidence outlined above, the variant was classified as benign.

GeneDx
Classification: Likely benign. Last evaluated: 2018-04-24. Review status: criteria provided, single submitter. Criteria: GeneDx Variant Classification (06012015). Collection method: clinical testing. Allele origin: germline. Affected: yes.
Comment: This variant is considered likely benign or benign based on one or more of the following criteria: it is a conservative change, it occurs at a poorly conserved position in the protein, it is predicted to be benign by multiple in silico algorithms, and/or has population frequency not consistent with disease.

PreventionGenetics, part of Exact Sciences
Classification: Likely benign for CBL-related condition. Last evaluated: 2019-08-20. Review status: no assertion criteria provided. Collection method: clinical testing. Allele origin: germline. Not counted in ClinVar's aggregate classification.
Comment: This variant is classified as likely benign based on ACMG/AMP sequence variant interpretation guidelines (Richards et al. 2015 PMID: 25741868, with internal and published modifications).

Literature cited by the submitters: PubMed 20951944 (cited by Women's Health and Genetics/Laboratory Corporation of America, LabCorp); PubMed 19620960 (cited by Women's Health and Genetics/Laboratory Corporation of America, LabCorp); PubMed 29296819 (cited by Women's Health and Genetics/Laboratory Corporation of America, LabCorp); PubMed 27069254 (cited by Women's Health and Genetics/Laboratory Corporation of America, LabCorp).

NM_005188.4(CBL):c.2252-8T>C

Gene: CBL (Cbl proto-oncogene; plus strand). Cytogenetic location: 11q23.3.
Variant type: single nucleotide variant.
Coding change: c.2252-8T>C on transcript NM_005188.4 (MANE Select); 8 bases into the intron before coding-DNA position 2252, T replaced by C.
Molecular consequence: intron variant.
Genome position (GRCh38, 1-based): chr11:119,298,350, T>C. VCF-style: chr11-119298350-T-C. GRCh37 (hg19) VCF-style: chr11-119169060-T-C.
Identifiers: ClinVar variation 561795 (VCV000561795.15), dbSNP rs555179188, ClinGen allele CA6318738.